The following is an entry in ClinVar:

ClinVar aggregate classification (germline): Benign/Likely benign. Review status: criteria provided, multiple submitters, no conflicts (2 of 4 stars). 2 submissions from 2 submitters: Benign (1); Likely benign (1). Last evaluated 2025-03-28.

Conditions:
Peutz-Jeghers syndrome (PJS). Also called: POLYPOSIS, HAMARTOMATOUS INTESTINAL; POLYPS-AND-SPOTS SYNDROME; Peutz-Jeghers polyposis; Periorificial lentiginosis syndrome. Identifiers: Orphanet 2869, MedGen C0031269, MeSH D010580, MONDO:0008280, OMIM 175200.

Submissions (2):

Myriad Genetics, Inc.
Classification: Benign for Peutz-Jeghers syndrome. Last evaluated: 2025-03-28. Review status: criteria provided, single submitter. Criteria: Myriad Autosomal Dominant, Autosomal Recessive and X-Linked Classification Criteria (2023). Collection method: clinical testing. Allele origin: unknown.
Comment: This variant is considered benign. This variant is a silent/synonymous amino acid change and it is not expected to impact splicing.

Labcorp Genetics (formerly Invitae), Labcorp
Classification: Likely benign for Peutz-Jeghers syndrome. Last evaluated: 2024-06-30. Review status: criteria provided, single submitter. Criteria: Invitae Variant Classification Sherloc (09022015). Collection method: clinical testing. Allele origin: germline.

NM_000455.5(STK11):c.1134T>C (p.Ser378=)

Gene: STK11 (serine/threonine kinase 11; plus strand). Cytogenetic location: 19p13.3.
Variant type: single nucleotide variant.
Coding change: c.1134T>C on transcript NM_000455.5 (MANE Select); coding-DNA position 1134, T replaced by C.
Protein change: p.Ser378=; no amino-acid change (serine 378 retained).
Molecular consequence: synonymous variant. On other transcripts: non-coding transcript variant (1).
Genome position (GRCh38, 1-based): chr19:1,226,479, T>C. VCF-style: chr19-1226479-T-C. GRCh37 (hg19) VCF-style: chr19-1226478-T-C.
Identifiers: ClinVar variation 3658251 (VCV003658251.3).